The following is an entry in ClinVar:

ClinVar aggregate classification (germline): Uncertain significance. Review status: criteria provided, multiple submitters, no conflicts (2 of 4 stars). 2 submissions from 2 submitters: Uncertain significance (2). Last evaluated 2025-12-11.

Allele frequency attached by ClinVar (database versions not stated): TOPMed 0.00002; ExAC 0.00004; gnomAD 0.00004; gnomAD exomes 0.00005; ESP Exome Variant Server 0.00008.
gnomAD v4.1: 78 of 1,609,564 alleles (0.0048%); highest among the groups gnomAD compares: Non-Finnish European, 0.0064%; no homozygotes.

Submissions (2):

Labcorp Genetics (formerly Invitae), Labcorp
Classification: Uncertain significance. Last evaluated: 2025-12-11. Review status: criteria provided, single submitter. Criteria: Invitae Variant Classification Sherloc (09022015). Collection method: clinical testing. Allele origin: germline.
Comment: This sequence change replaces glutamic acid, which is acidic and polar, with aspartic acid, which is acidic and polar, at codon 3154 of the HMCN1 protein (p.Glu3154Asp). This variant is present in population databases (rs369300295, gnomAD 0.006%). This variant has not been reported in the literature in individuals affected with HMCN1-related conditions. ClinVar contains an entry for this variant (Variation ID: 2173207). An algorithm developed to predict the effect of missense changes on protein structure and function outputs the following: PolyPhen-2: "Probably Damaging". The aspartic acid amino acid residue is found in multiple mammalian species, which suggests that this missense change does not adversely affect protein function. In summary, the available evidence is currently insufficient to determine the role of this variant in disease. Therefore, it has been classified as a Variant of Uncertain Significance.

Ambry Genetics
Classification: Uncertain significance. Last evaluated: 2025-05-20. Review status: criteria provided, single submitter. Criteria: Ambry Variant Classification Scheme 2023. Collection method: clinical testing. Allele origin: germline.

NM_031935.3(HMCN1):c.9462A>T (p.Glu3154Asp)

Gene: HMCN1 (hemicentin 1; plus strand). Cytogenetic location: 1q31.1.
Variant type: single nucleotide variant.
Coding change: c.9462A>T on transcript NM_031935.3 (MANE Select); coding-DNA position 9462, A replaced by T.
Protein change: p.Glu3154Asp; replaces glutamic acid 3154 with aspartic acid.
Molecular consequence: missense variant.
Genome position (GRCh38, 1-based): chr1:186,088,161, A>T. VCF-style: chr1-186088161-A-T. GRCh37 (hg19) VCF-style: chr1-186057293-A-T.
Other names: c.9462A>T (NM_031935.2); short protein forms E3154D.
Identifiers: ClinVar variation 2173207 (VCV002173207.5), dbSNP rs369300295, ClinGen allele CA1293445.